The following is an entry in ClinVar:

ClinVar aggregate classification (germline): Uncertain significance. Review status: criteria provided, multiple submitters, no conflicts (2 of 4 stars). 2 submissions from 2 submitters: Uncertain significance (2). Last evaluated 2022-07-21.

Conditions:
Meckel syndrome, type 11 (MKS11). Identifiers: Orphanet 564, MedGen C3809352, MONDO:0014164, OMIM 615397.
Joubert syndrome 20 (JBTS20). Identifiers: Orphanet 475, MedGen C3554235, MONDO:0013994, OMIM 614970.

gnomAD v4.1: 2 of 1,611,946 alleles (0.00012%); highest among the groups gnomAD compares: Admixed American, 0.0033%; no homozygotes.

Submissions (2):

GeneDx
Classification: Uncertain significance. Last evaluated: 2022-07-21. Review status: criteria provided, single submitter. Criteria: GeneDx Variant Classification Process June 2021. Collection method: clinical testing. Allele origin: germline. Affected: yes.
Comment: Not observed at significant frequency in large population cohorts (gnomAD); In silico analysis supports that this missense variant does not alter protein structure/function; Has not been previously published as pathogenic or benign to our knowledge

Labcorp Genetics (formerly Invitae), Labcorp
Classification: Uncertain significance for Joubert syndrome 20; Meckel syndrome, type 11. Last evaluated: 2022-05-17. Review status: criteria provided, single submitter. Criteria: Invitae Variant Classification Sherloc (09022015). Collection method: clinical testing. Allele origin: germline.
Comment: This sequence change replaces asparagine, which is neutral and polar, with aspartic acid, which is acidic and polar, at codon 299 of the TMEM231 protein (p.Asn299Asp). This variant is present in population databases (no rsID available, gnomAD 0.006%). This variant has not been reported in the literature in individuals affected with TMEM231-related conditions. Algorithms developed to predict the effect of missense changes on protein structure and function output the following: SIFT: "Tolerated"; PolyPhen-2: "Not Available"; Align-GVGD: "Class C0". The aspartic acid amino acid residue is found in multiple mammalian species, which suggests that this missense change does not adversely affect protein function. Algorithms developed to predict the effect of sequence changes on RNA splicing suggest that this variant may create or strengthen a splice site. In summary, the available evidence is currently insufficient to determine the role of this variant in disease. Therefore, it has been classified as a Variant of Uncertain Significance.

NM_001077418.3(TMEM231):c.736A>G (p.Asn246Asp)

Gene: TMEM231 (transmembrane protein 231; minus strand). Cytogenetic location: 16q23.1.
Variant type: single nucleotide variant.
Coding change: c.736A>G on transcript NM_001077418.3 (MANE Select); coding-DNA position 736, A replaced by G.
Protein change: p.Asn246Asp; replaces asparagine 246 with aspartic acid.
Molecular consequence: missense variant. On other transcripts: non-coding transcript variant (1).
Genome position (GRCh38, 1-based): chr16:75,541,384, T>C on the plus strand (A>G on the coding strand, the complement: TMEM231 is on the minus strand). VCF-style: chr16-75541384-T-C. GRCh37 (hg19) VCF-style: chr16-75575282-T-C.
Other names: c.895A>G, p.Asn299Asp (NM_001077416.2); short protein forms N246D, N299D.
Identifiers: ClinVar variation 2136203 (VCV002136203.4), dbSNP rs776577271, ClinGen allele CA396804285.